The following is an entry in ClinVar:

ClinVar aggregate classification (germline): Benign. Review status: criteria provided, multiple submitters, no conflicts (2 of 4 stars). 3 submissions from 3 submitters: Benign (3). Last evaluated 2026-02-02.

Conditions:
Severe combined immunodeficiency due to DNA-PKcs deficiency. Also called: Immunodeficiency 26 with or without neurologic abnormalities; IMMUNODEFICIENCY 26 WITH NEUROLOGIC ABNORMALITIES. Identifiers: Orphanet 317425, MedGen C4014833, MONDO:0014423, OMIM 615966.

Allele frequency attached by ClinVar (database versions not stated): gnomAD exomes 0.00508 and 0.01341; ExAC 0.01608; gnomAD 0.05116 and 0.05523; ESP Exome Variant Server 0.05239; 1000 Genomes Project 0.05631; TOPMed 0.05809; 1000 Genomes Project 30x 0.05871.
gnomAD v4.1: 15,478 of 1,598,130 alleles (0.97%); highest among the groups gnomAD compares: African/African-American, 18%; 1,266 homozygotes.

Submissions (3):

Labcorp Genetics (formerly Invitae), Labcorp
Classification: Benign for Severe combined immunodeficiency due to DNA-PKcs deficiency. Last evaluated: 2026-02-02. Review status: criteria provided, single submitter. Criteria: Invitae Variant Classification Sherloc (09022015). Collection method: clinical testing. Allele origin: germline.

GeneDx
Classification: Benign. Last evaluated: 2016-03-03. Review status: criteria provided, single submitter. Criteria: GeneDx Variant Classification (06012015). Collection method: clinical testing. Allele origin: germline. Affected: yes.
Comment: This variant is considered likely benign or benign based on one or more of the following criteria: it is a conservative change, it occurs at a poorly conserved position in the protein, it is predicted to be benign by multiple in silico algorithms, and/or has population frequency not consistent with disease.

Breakthrough Genomics
Classification: Benign. Review status: criteria provided, single submitter. Criteria: ACMG Guidelines, 2015. Collection method: not provided. Allele origin: germline. Inheritance: Autosomal recessive inheritance. Affected: yes.

NM_006904.7(PRKDC):c.9922+13C>T

Gene: PRKDC (protein kinase, DNA-activated, catalytic subunit; minus strand). Cytogenetic location: 8q11.21.
Variant type: single nucleotide variant.
Coding change: c.9922+13C>T on transcript NM_006904.7 (MANE Select); 13 bases into the intron after coding-DNA position 9922, C replaced by T.
Molecular consequence: intron variant.
Genome position (GRCh38, 1-based): chr8:47,803,293, G>A on the plus strand (C>T on the coding strand, the complement: PRKDC is on the minus strand). VCF-style: chr8-47803293-G-A. GRCh37 (hg19) VCF-style: chr8-48715854-G-A.
Other names: c.9922+13C>T (NM_001081640.2).
Identifiers: ClinVar variation 379645 (VCV000379645.9), dbSNP rs8178217, ClinGen allele CA4739452.
Genomic context (GRCh38, chr8:47,803,293, plus strand): 5'-AAGAAGAGGAAGATACACAAGACAATATAACACAGCCCTTTAAGATATAAGTGGATAAAA[G>A]CGGTCAACTTACCCAACAAAGAGACTGTTTTCAGCACAGTGAGCACCTGCTCAGAGCAGC-3'